The following is an entry in ClinVar:

NM_018136.5(ASPM):c.4937T>G (p.Met1646Arg)

Gene: ASPM (assembly factor for spindle microtubules; minus strand). Cytogenetic location: 1q31.3.
Variant type: single nucleotide variant.
Coding change: c.4937T>G on transcript NM_018136.5 (MANE Select); coding-DNA position 4937, T replaced by G.
Protein change: p.Met1646Arg; replaces methionine 1646 with arginine.
Molecular consequence: missense variant. On other transcripts: intron variant (1).
Genome position (GRCh38, 1-based): chr1:197,104,314, A>C on the plus strand (T>G on the coding strand, the complement: ASPM is on the minus strand). VCF-style: chr1-197104314-A-C. GRCh37 (hg19) VCF-style: chr1-197073444-A-C.
Other names: c.4066-8150T>G (NM_001206846.2); short protein forms M1646R.
Identifiers: ClinVar variation 4885195 (VCV004885195.2).

ClinVar aggregate classification (germline): Uncertain significance (1 of 4 stars; one submission).

Submission:

Dasa
Classification: Uncertain significance. Last evaluated: 2025-11-27. Review status: criteria provided, single submitter. Criteria: DASA Assertion Criteria. Collection method: clinical testing. Allele origin: germline.
Comment: NM_018136.5(ASPM):c.4937T>G (p.Met1646Arg) is a missense variant that results in the substitution of methionine with arginine. This variant is absent from population databases. The currently available literature and clinical evidence are not sufficient to establish a definitive association between this variant and the reported condition. Therefore, this variant is classified as a variant of uncertain significance.